The following is an entry in ClinVar:

NM_014639.4(SKIC3):c.2432T>C (p.Leu811Ser)

Gene: SKIC3 (SKI3 subunit of superkiller complex; minus strand). Cytogenetic location: 5q15.
Variant type: single nucleotide variant.
Coding change: c.2432T>C on transcript NM_014639.4 (MANE Select); coding-DNA position 2432, T replaced by C.
Protein change: p.Leu811Ser; replaces leucine 811 with serine.
Molecular consequence: missense variant.
Genome position (GRCh38, 1-based): chr5:95,516,920, A>G on the plus strand (T>C on the coding strand, the complement: SKIC3 is on the minus strand). VCF-style: chr5-95516920-A-G. GRCh37 (hg19) VCF-style: chr5-94852624-A-G.
Other names: short protein forms L811S.
Identifiers: ClinVar variation 1938317 (VCV001938317.2), dbSNP rs1211130913, ClinGen allele CA360458786.

ClinVar aggregate classification (germline): Uncertain significance (1 of 4 stars; one submission).

Allele frequency attached by ClinVar (database versions not stated): TOPMed below 0.00001.
gnomAD v4.1: 5 of 1,597,782 alleles (0.00031%); highest among the groups gnomAD compares: East Asian, 0.0023%; no homozygotes.

Submission:

Labcorp Genetics (formerly Invitae), Labcorp
Classification: Uncertain significance. Last evaluated: 2022-08-08. Review status: criteria provided, single submitter. Criteria: Invitae Variant Classification Sherloc (09022015). Collection method: clinical testing. Allele origin: germline.
Comment: This sequence change replaces leucine, which is neutral and non-polar, with serine, which is neutral and polar, at codon 811 of the TTC37 protein (p.Leu811Ser). This variant is present in population databases (no rsID available, gnomAD 0.007%). This variant has not been reported in the literature in individuals affected with TTC37-related conditions. Algorithms developed to predict the effect of missense changes on protein structure and function (SIFT, PolyPhen-2, Align-GVGD) all suggest that this variant is likely to be tolerated. In summary, the available evidence is currently insufficient to determine the role of this variant in disease. Therefore, it has been classified as a Variant of Uncertain Significance.